The following is an entry in ClinVar:

ClinVar aggregate classification (germline): Likely benign. Review status: criteria provided, multiple submitters, no conflicts (2 of 4 stars). 3 submissions from 3 submitters: Likely benign (3). Last evaluated 2025-12-30.

Conditions:
Arrhythmogenic right ventricular dysplasia 10. Also called: Arrhythmogenic right ventricular dysplasia/cardiomyopathy, type 10; ARRHYTHMOGENIC RIGHT VENTRICULAR DYSPLASIA, FAMILIAL, 10; Arrhythmogenic Right Ventricular Dysplasia/Cardiomyopathy10. Identifiers: MedGen C1857777, MONDO:0012434, OMIM 610193.
Cardiovascular phenotype. Identifiers: MedGen CN230736.

Allele frequency attached by ClinVar (database versions not stated): TOPMed below 0.00001.

Submissions (3):

Ambry Genetics
Classification: Likely benign for Cardiovascular phenotype. Last evaluated: 2025-12-30. Review status: criteria provided, single submitter. Criteria: Ambry Variant Classification Scheme 2023. Collection method: clinical testing. Allele origin: germline.

Labcorp Genetics (formerly Invitae), Labcorp
Classification: Likely benign for Arrhythmogenic right ventricular dysplasia 10. Last evaluated: 2025-12-01. Review status: criteria provided, single submitter. Criteria: Invitae Variant Classification Sherloc (09022015). Collection method: clinical testing. Allele origin: germline.

Laboratory for Molecular Medicine, Mass General Brigham Personalized Medicine
Classification: Likely benign. Last evaluated: 2014-07-23. Review status: criteria provided, single submitter. Criteria: LMM Criteria. Collection method: clinical testing. Allele origin: germline. Observed: 1 variant allele.
Comment: Pro97Pro in exon 4 of DSG2: This variant is not expected to have clinical signif icance because it does not alter an amino acid residue and is not located within the splice consensus sequence. Pro97Pro in exon 4 of DSG2 (allele frequency = n/a)

NM_001943.5(DSG2):c.291A>C (p.Pro97=)

Gene: DSG2 (desmoglein 2; plus strand). Cytogenetic location: 18q12.1.
Variant type: single nucleotide variant.
Coding change: c.291A>C on transcript NM_001943.5 (MANE Select); coding-DNA position 291, A replaced by C.
Protein change: p.Pro97=; no amino-acid change (proline 97 retained).
Molecular consequence: synonymous variant.
Genome position (GRCh38, 1-based): chr18:31,520,877, A>C. VCF-style: chr18-31520877-A-C. GRCh37 (hg19) VCF-style: chr18-29100840-A-C.
Identifiers: ClinVar variation 163201 (VCV000163201.14), dbSNP rs727502983, ClinGen allele CA021933.